The following is an entry in ClinVar:

NM_001130438.3(SPTAN1):c.3900C>T (p.Ile1300=)

Gene: SPTAN1 (spectrin alpha, non-erythrocytic 1; plus strand). Cytogenetic location: 9q34.11.
Variant type: single nucleotide variant.
Coding change: c.3900C>T on transcript NM_001130438.3 (MANE Select); coding-DNA position 3900, C replaced by T.
Protein change: p.Ile1300=; no amino-acid change (isoleucine 1300 retained).
Molecular consequence: synonymous variant.
Genome position (GRCh38, 1-based): chr9:128,605,331, C>T. VCF-style: chr9-128605331-C-T. GRCh37 (hg19) VCF-style: chr9-131367610-C-T.
Other names: c.3840C>T, p.Ile1280= (NM_001195532.2, NM_001363765.2, NM_001375314.2 and 3 more transcripts); c.3900C>T, p.Ile1300= (NM_001363759.2, NM_001375310.1, NM_001375311.2 and 4 more transcripts); c.3936C>T, p.Ile1312= (NM_001375312.2, NM_001375318.1, NM_001438440.1).
Identifiers: ClinVar variation 5002615 (VCV005002615.1).

ClinVar aggregate classification (germline): Likely benign (1 of 4 stars; one submission).

Conditions:
SPTAN1-related disorder. Also called: SPTAN1-related disorders; SPTAN1-related condition.

Submission:

PreventionGenetics, part of Exact Sciences
Classification: Likely benign for SPTAN1-related condition. Last evaluated: 2025-02-10. Review status: criteria provided, single submitter. Criteria: ACMG Guidelines, 2015. Collection method: clinical testing. Allele origin: germline.
Comment: This variant is classified as likely benign based on ACMG/AMP sequence variant interpretation guidelines (Richards et al. 2015 PMID: 25741868, with internal and published modifications).